The following is an entry in ClinVar:

ClinVar aggregate classification (germline): Uncertain significance (1 of 4 stars; one submission).

Submission:

Labcorp Genetics (formerly Invitae), Labcorp
Classification: Uncertain significance. Last evaluated: 2022-07-18. Review status: criteria provided, single submitter. Criteria: Invitae Variant Classification Sherloc (09022015). Collection method: clinical testing. Allele origin: germline.
Comment: This sequence change replaces serine, which is neutral and polar, with threonine, which is neutral and polar, at codon 353 of the HPS4 protein (p.Ser353Thr). This variant is present in population databases (rs759075680, gnomAD 0.006%). This variant has not been reported in the literature in individuals affected with HPS4-related conditions. Algorithms developed to predict the effect of missense changes on protein structure and function are either unavailable or do not agree on the potential impact of this missense change (SIFT: "Tolerated"; PolyPhen-2: "Possibly Damaging"; Align-GVGD: "Class C0"). In summary, the available evidence is currently insufficient to determine the role of this variant in disease. Therefore, it has been classified as a Variant of Uncertain Significance.

NM_022081.6(HPS4):c.1058G>C (p.Ser353Thr)

Gene: HPS4 (HPS4 biogenesis of lysosomal organelles complex 3 subunit 2; minus strand). Cytogenetic location: 22q12.1.
Variant type: single nucleotide variant.
Coding change: c.1058G>C on transcript NM_022081.6 (MANE Select); coding-DNA position 1058, G replaced by C.
Protein change: p.Ser353Thr; replaces serine 353 with threonine.
Molecular consequence: missense variant. On other transcripts: non-coding transcript variant (8).
Genome position (GRCh38, 1-based): chr22:26,464,572, C>G on the plus strand (G>C on the coding strand, the complement: HPS4 is on the minus strand). VCF-style: chr22-26464572-C-G. GRCh37 (hg19) VCF-style: chr22-26860538-C-G.
Other names: c.1058G>C, p.Ser353Thr (NM_001349896.1, NM_001349898.2, NM_001349899.2 and 5 more transcripts); c.1112G>C, p.Ser371Thr (NM_001349900.2, NM_001349901.1); c.1043G>C, p.Ser348Thr (NM_152841.2); short protein forms S353T, S371T, S348T.
Identifiers: ClinVar variation 1905572 (VCV001905572.2), dbSNP rs759075680, ClinGen allele CA10163416.
Genomic context (GRCh38, chr22:26,464,572, plus strand): 5'-TGGATTTCAGACAAGTCGAGTTCTTCTTGGAGAAAGACTAGTTCCTTCCCCAGGGAGGAG[C>G]TGAGGCCAAGAACCTCACCCCTGGCAGAGTTGTGCAGTCCTGCGGGCCTGATGCTCTCCA-3'
Protein context (NP_071364.4, residues 343-363): NSARGEVLGL[Ser353Thr]SSLGKELVFL